The following is an entry in ClinVar:

ClinVar aggregate classification (germline): Uncertain significance (1 of 4 stars; one submission).

Conditions:
Brugada syndrome 8 (BRGDA8). Identifiers: Orphanet 130, MedGen C2751083, MONDO:0013148, OMIM 613123.

Submission:

Labcorp Genetics (formerly Invitae), Labcorp
Classification: Uncertain significance for Brugada syndrome 8. Last evaluated: 2022-12-23. Review status: criteria provided, single submitter. Criteria: Invitae Variant Classification Sherloc (09022015). Collection method: clinical testing. Allele origin: unknown.
Comment: In summary, the available evidence is currently insufficient to determine the role of this variant in disease. Therefore, it has been classified as a Variant of Uncertain Significance. Variants that disrupt the consensus splice site are a relatively common cause of aberrant splicing (PMID: 17576681, 9536098). This variant has not been reported in the literature in individuals affected with HCN4-related conditions. This variant results in the deletion of exons 5-7 and part of exon 8 (c.1591-116_2446del) of the HCN4 gene. It affects a nucleotide within the consensus splice site.

Literature cited by the submitters: PubMed 17576681; PubMed 9536098.

NC_000015.9:g.(?_73615988)_(73617901_?)del

Gene: HCN4 (hyperpolarization activated cyclic nucleotide gated potassium channel 4; minus strand). Cytogenetic location: 15q24.1.
Variant type: Deletion.
Identifiers: ClinVar variation 3243819 (VCV003243819.1).